The following is an entry in ClinVar:

NM_016239.4(MYO15A):c.1418T>G (p.Leu473Arg)

Gene: MYO15A (myosin XVA; plus strand). Cytogenetic location: 17p11.2.
Variant type: single nucleotide variant.
Coding change: c.1418T>G on transcript NM_016239.4 (MANE Select); coding-DNA position 1418, T replaced by G.
Protein change: p.Leu473Arg; replaces leucine 473 with arginine.
Molecular consequence: missense variant.
Genome position (GRCh38, 1-based): chr17:18,120,218, T>G. VCF-style: chr17-18120218-T-G. GRCh37 (hg19) VCF-style: chr17-18023532-T-G.
Other names: short protein forms L473R.
Identifiers: ClinVar variation 322117 (VCV000322117.15), dbSNP rs370497397, ClinGen allele CA8423098.

ClinVar aggregate classification (germline): Uncertain significance. Review status: criteria provided, multiple submitters, no conflicts (2 of 4 stars). 6 submissions from 6 submitters: Uncertain significance (6). Last evaluated 2025-08-07.

Conditions:
Inborn genetic diseases. Identifiers: MedGen C0950123, MeSH D030342.
Autosomal recessive nonsyndromic hearing loss 3. Also called: NEUROSENSORY NONSYNDROMIC RECESSIVE DEAFNESS 3. Identifiers: Orphanet 90636, MedGen C1838263, MONDO:0010860, OMIM 600316.

Allele frequency attached by ClinVar (database versions not stated): gnomAD exomes 0.00004 and 0.00010; ExAC 0.00007; gnomAD 0.00007 and 0.00008; TOPMed 0.00007; ESP Exome Variant Server 0.00008.
gnomAD v4.1: 162 of 1,612,622 alleles (0.01%); highest among the groups gnomAD compares: Non-Finnish European, 0.012%; no homozygotes.

Submissions (6):

GeneDx
Classification: Uncertain significance. Last evaluated: 2025-08-07. Review status: criteria provided, single submitter. Criteria: GeneDx Variant Classification Process June 2021. Collection method: clinical testing. Allele origin: germline. Affected: yes.
Comment: In silico analysis suggests that this missense variant does not alter protein structure/function; Has not been previously published as pathogenic or benign to our knowledge

Ambry Genetics
Classification: Uncertain significance for Inborn genetic diseases. Last evaluated: 2024-04-23. Review status: criteria provided, single submitter. Criteria: Ambry Variant Classification Scheme 2023. Collection method: clinical testing. Allele origin: germline.

Blueprint Genetics
Classification: Uncertain significance. Last evaluated: 2024-02-15. Review status: criteria provided, single submitter. Criteria: ACMG Guidelines, 2015. Collection method: clinical testing. Allele origin: germline.

Labcorp Genetics (formerly Invitae), Labcorp
Classification: Uncertain significance. Last evaluated: 2021-08-28. Review status: criteria provided, single submitter. Criteria: Invitae Variant Classification Sherloc (09022015). Collection method: clinical testing. Allele origin: germline.
Comment: This sequence change replaces leucine with arginine at codon 473 of the MYO15A protein (p.Leu473Arg). The leucine residue is highly conserved and there is a moderate physicochemical difference between leucine and arginine. This variant is present in population databases (rs370497397, ExAC 0.01%). This variant has not been reported in the literature in individuals affected with MYO15A-related conditions. ClinVar contains an entry for this variant (Variation ID: 322117). Advanced modeling of protein sequence and biophysical properties (such as structural, functional, and spatial information, amino acid conservation, physicochemical variation, residue mobility, and thermodynamic stability) performed at Invitae indicates that this missense variant is not expected to disrupt MYO15A protein function. In summary, the available evidence is currently insufficient to determine the role of this variant in disease. Therefore, it has been classified as a Variant of Uncertain Significance.

Laboratory for Molecular Medicine, Mass General Brigham Personalized Medicine
Classification: Uncertain significance. Last evaluated: 2019-06-21. Review status: criteria provided, single submitter. Criteria: LMM Criteria. Collection method: clinical testing. Allele origin: germline. Observed: 1 variant allele.
Comment: The p.Leu473Arg variant in MYO15A has not been previously reported in individuals with hearing loss, but has been reported in ClinVar (Variation ID 322117). This variant has also been identified in 0.01% (13/127558) of European chromosomes by gnomAD. Computational prediction tools and conservation analysis suggest that this variant may not impact the protein, though this information is not predictive enough to rule out pathogenicity. In summary, the clinical significance of this variant is uncertain. ACMG/AMP Criteria applied: PM2_Supporting, BP4.

Illumina Laboratory Services, Illumina
Classification: Uncertain significance for Autosomal recessive nonsyndromic hearing loss 3. Last evaluated: 2018-01-13. Review status: criteria provided, single submitter. Criteria: ICSL Variant Classification Criteria 13 December 2019. Collection method: clinical testing. Allele origin: germline.